The following is an entry in ClinVar:

ClinVar aggregate classification (germline): Uncertain significance (1 of 4 stars; one submission).

Conditions:
Landau-Kleffner syndrome (FESD). Also called: APHASIA, ACQUIRED, WITH EPILEPSY; EPILEPSY, FOCAL, WITH SPEECH DISORDER AND WITH OR WITHOUT MENTAL RETARDATION. Identifiers: Orphanet 1945, Orphanet 725, Orphanet 98818, MedGen C0282512, MONDO:0009509, OMIM 245570.

gnomAD v4.1: 12 of 1,614,064 alleles (0.00074%); highest among the groups gnomAD compares: African/African-American, 0.0013%; no homozygotes.

Submission:

Labcorp Genetics (formerly Invitae), Labcorp
Classification: Uncertain significance for Landau-Kleffner syndrome. Last evaluated: 2024-06-15. Review status: criteria provided, single submitter. Criteria: Invitae Variant Classification Sherloc (09022015). Collection method: clinical testing. Allele origin: germline.
Comment: This sequence change replaces asparagine, which is neutral and polar, with lysine, which is basic and polar, at codon 1041 of the GRIN2A protein (p.Asn1041Lys). This variant is present in population databases (rs574425467, gnomAD 0.0009%). This variant has not been reported in the literature in individuals affected with GRIN2A-related conditions. ClinVar contains an entry for this variant (Variation ID: 1008148). Advanced modeling of protein sequence and biophysical properties (such as structural, functional, and spatial information, amino acid conservation, physicochemical variation, residue mobility, and thermodynamic stability) performed at Invitae indicates that this missense variant is not expected to disrupt GRIN2A protein function with a negative predictive value of 95%. In summary, the available evidence is currently insufficient to determine the role of this variant in disease. Therefore, it has been classified as a Variant of Uncertain Significance.

NM_001134407.3(GRIN2A):c.3123T>A (p.Asn1041Lys)

Gene: GRIN2A (glutamate ionotropic receptor NMDA type subunit 2A; minus strand). Cytogenetic location: 16p13.2.
Variant type: single nucleotide variant.
Coding change: c.3123T>A on transcript NM_001134407.3 (MANE Select); coding-DNA position 3123, T replaced by A.
Protein change: p.Asn1041Lys; replaces asparagine 1041 with lysine.
Molecular consequence: missense variant.
Genome position (GRCh38, 1-based): chr16:9,764,421, A>T on the plus strand (T>A on the coding strand, the complement: GRIN2A is on the minus strand). VCF-style: chr16-9764421-A-T. GRCh37 (hg19) VCF-style: chr16-9858278-A-T.
Other names: c.3123T>A, p.Asn1041Lys (NM_001134408.2, NM_000833.5); short protein forms N1041K.
Identifiers: ClinVar variation 1008148 (VCV001008148.12), dbSNP rs574425467, ClinGen allele CA7896368.
Genomic context (GRCh38, chr16:9,764,421, plus strand): 5'-AATGTCAGAGTGGGCCATCTCTTCTGGAAGATACCTAGGGCTCTTTAGGGAGTGGGTCCT[A>T]TTCTCTGCTGTTGCCTCATCCCTCTGGGAGACTGGATTCTGGGATAGTGAATCCTGGCGT-3'
Protein context (NP_001127879.1, residues 1031-1051): VSQRDEATAE[Asn1041Lys]RTHSLKSPRY